The following is an entry in ClinVar:

NM_000138.5(FBN1):c.8542A>C (p.Lys2848Gln)

Gene: FBN1 (fibrillin 1; minus strand). Cytogenetic location: 15q21.1.
Variant type: single nucleotide variant.
Coding change: c.8542A>C on transcript NM_000138.5 (MANE Select); coding-DNA position 8542, A replaced by C.
Protein change: p.Lys2848Gln; replaces lysine 2848 with glutamine.
Molecular consequence: missense variant.
Genome position (GRCh38, 1-based): chr15:48,411,064, T>G on the plus strand (A>C on the coding strand, the complement: FBN1 is on the minus strand). VCF-style: chr15-48411064-T-G. GRCh37 (hg19) VCF-style: chr15-48703261-T-G.
Other names: short protein forms K2848Q.
Identifiers: ClinVar variation 513328 (VCV000513328.18), dbSNP rs199846998, ClinGen allele CA060160.

ClinVar aggregate classification (germline): Likely benign. Review status: criteria provided, multiple submitters, no conflicts (2 of 4 stars). 7 submissions from 7 submitters: Likely benign (7). Last evaluated 2026-08-01.

Conditions:
FBN1-related disorder. Also called: FBN1-related disorders.
Marfan syndrome (MFS). Also called: MARFAN SYNDROME, TYPE I; Marfan's syndrome; Marfan syndrome type 1; Marfan syndrome, classic; FBN1-Related Marfan Syndrome. Identifiers: Orphanet 284963, Orphanet 558, MedGen C0024796, MONDO:0007947, OMIM 154700.
Familial thoracic aortic aneurysm and aortic dissection (TAAD). Also called: Thoracic aortic aneurysms and dissections. Identifiers: Orphanet 91387, MedGen C4707243, MONDO:0019625.

Allele frequency attached by ClinVar (database versions not stated): gnomAD 0.00004 and 0.00005; TOPMed 0.00008; gnomAD exomes 0.00010 and 0.00024; ExAC 0.00017; 1000 Genomes Project 0.00020; 1000 Genomes Project 30x 0.00031.
gnomAD v4.1: 70 of 1,613,988 alleles (0.0043%); highest among the groups gnomAD compares: Admixed American, 0.11%; no homozygotes.

Submissions (7):

CeGaT Center for Human Genetics Tuebingen
Classification: Likely benign. Last evaluated: 2026-08-01. Review status: criteria provided, single submitter. Criteria: CeGaT Center For Human Genetics Tuebingen Variant Classification Criteria Version 2. Collection method: clinical testing. Allele origin: germline. Affected: yes. Observed: 3 variant alleles.
Comment: FBN1: BP4, BS1

PreventionGenetics, part of Exact Sciences
Classification: Likely benign for FBN1-related condition. Last evaluated: 2026-04-08. Review status: criteria provided, single submitter. Criteria: ACMG Guidelines, 2015. Collection method: clinical testing. Allele origin: germline.
Comment: This variant is classified as likely benign based on ACMG/AMP sequence variant interpretation guidelines (Richards et al. 2015 PMID: 25741868, with internal and published modifications).

Labcorp Genetics (formerly Invitae), Labcorp
Classification: Likely benign for Marfan syndrome; Familial thoracic aortic aneurysm and aortic dissection. Last evaluated: 2026-01-19. Review status: criteria provided, single submitter. Criteria: Invitae Variant Classification Sherloc (09022015). Collection method: clinical testing. Allele origin: germline.

Women's Health and Genetics/Laboratory Corporation of America, LabCorp
Classification: Likely benign. Last evaluated: 2023-08-15. Review status: criteria provided, single submitter. Criteria: LabCorp Variant Classification Summary - May 2015. Collection method: clinical testing. Allele origin: germline.

Color Diagnostics, LLC DBA Color Health
Classification: Likely benign for Familial thoracic aortic aneurysm and aortic dissection. Last evaluated: 2019-03-12. Review status: criteria provided, single submitter. Criteria: ACMG Guidelines, 2015. Collection method: clinical testing. Allele origin: germline.

GeneDx
Classification: Likely benign. Last evaluated: 2017-11-10. Review status: criteria provided, single submitter. Criteria: GeneDx Variant Classification (06012015). Collection method: clinical testing. Allele origin: germline. Affected: yes.
Comment: This variant is considered likely benign or benign based on one or more of the following criteria: it is a conservative change, it occurs at a poorly conserved position in the protein, it is predicted to be benign by multiple in silico algorithms, and/or has population frequency not consistent with disease.

Ambry Genetics
Classification: Likely benign for Familial thoracic aortic aneurysm and aortic dissection. Last evaluated: 2017-07-11. Review status: criteria provided, single submitter. Criteria: Ambry Variant Classification Scheme 2023. Collection method: clinical testing. Allele origin: germline.